The following is an entry in ClinVar:

NM_033026.6(PCLO):c.6648_6650del (p.Met2216del)

Gene: PCLO (piccolo presynaptic cytomatrix protein; minus strand). Cytogenetic location: 7q21.11.
Variant type: Deletion.
Coding change: c.6648_6650del on transcript NM_033026.6 (MANE Select); coding-DNA positions 6648 to 6650, 3 bases deleted (GAT; older notation c.6648_6650delGAT).
Protein change: p.Met2216del; deletes methionine 2216.
Molecular consequence: inframe deletion.
Genome position (GRCh38, 1-based): chr7:82,954,303-82,954,305, ATC deleted on the plus strand (GAT on the coding strand, the reverse complement: PCLO is on the minus strand); deleting any 3 consecutive bases within chr7:82,954,303-82,954,307 gives the same sequence; the c. name uses the placement nearest the transcript's 3' end. VCF-style (leftmost placement, unchanged base first): chr7-82954302-TATC-T. GRCh37 (hg19) VCF-style: chr7-82583618-TATC-T.
Other names: c.6648_6650del, p.Met2216del (NM_014510.3); c.6648_6650delGAT (NM_033026.6); short protein forms M2216del.
Identifiers: ClinVar variation 1515197 (VCV001515197.4), dbSNP rs748175325, ClinGen allele CA4320428.

ClinVar aggregate classification (germline): Uncertain significance. Review status: criteria provided, multiple submitters, no conflicts (2 of 4 stars). 2 submissions from 2 submitters: Uncertain significance (2). Last evaluated 2025-05-06.

Submissions (2):

Women's Health and Genetics/Laboratory Corporation of America, LabCorp
Classification: Uncertain significance. Last evaluated: 2025-05-06. Review status: criteria provided, single submitter. Criteria: LabCorp Variant Classification Summary - May 2015. Collection method: clinical testing. Allele origin: germline.
Comment: Variant summary: PCLO c.6648_6650delGAT (p.Met2216del) results in an in-frame deletion that is predicted to remove one amino acid from the encoded protein. The variant allele was found at a frequency of 0.00023 in 248158 control chromosomes. This frequency is not significantly higher than estimated for a pathogenic variant in PCLO causing Pontocerebellar Hypoplasia Type 3, allowing no conclusion about variant significance. To our knowledge, no occurrence of c.6648_6650delGAT in individuals affected with Pontocerebellar Hypoplasia Type 3 and no experimental evidence demonstrating its impact on protein function have been reported. ClinVar contains an entry for this variant (Variation ID: 1515197). Based on the evidence outlined above, the variant was classified as uncertain significance.

Labcorp Genetics (formerly Invitae), Labcorp
Classification: Uncertain significance. Last evaluated: 2022-10-18. Review status: criteria provided, single submitter. Criteria: Invitae Variant Classification Sherloc (09022015). Collection method: clinical testing. Allele origin: germline.
Comment: This variant, c.6648_6650del, results in the deletion of 1 amino acid(s) of the PCLO protein (p.Met2216del), but otherwise preserves the integrity of the reading frame. This variant is present in population databases (rs748175325, gnomAD 0.1%). This variant has not been reported in the literature in individuals affected with PCLO-related conditions. ClinVar contains an entry for this variant (Variation ID: 1515197). Experimental studies and prediction algorithms are not available or were not evaluated, and the functional significance of this variant is currently unknown. In summary, the available evidence is currently insufficient to determine the role of this variant in disease. Therefore, it has been classified as a Variant of Uncertain Significance.